The following is an entry in ClinVar:

ClinVar aggregate classification (germline): Benign. Review status: criteria provided, single submitter (1 of 4 stars). 2 submissions from 1 submitter: Benign (2). Last evaluated 2018-01-13.

Conditions:
Adult-onset proximal spinal muscular atrophy, autosomal dominant. Also called: FINKEL LATE-ADULT TYPE SMA; Spinal muscular atrophy, late-onset, finkel type. Identifiers: Orphanet 209335, MedGen C1854058, MONDO:0008453, OMIM 182980.
Amyotrophic lateral sclerosis type 8 (ALS8). Identifiers: Orphanet 803, MedGen C1837728, MONDO:0012077, OMIM 608627.

Allele frequency attached by ClinVar (database versions not stated): gnomAD exomes 0.00057 and 0.00080; ExAC 0.00074; gnomAD 0.00179 and 0.00183; 1000 Genomes Project 0.00240; TOPMed 0.00242; 1000 Genomes Project 30x 0.00250.
gnomAD v4.1: 461 of 454,140 alleles (0.1%); highest among the groups gnomAD compares: Middle Eastern, 0.42%; no homozygotes.

Submissions (2):

Illumina Laboratory Services, Illumina
Classification: Benign for Adult-onset proximal spinal muscular atrophy, autosomal dominant. Last evaluated: 2018-01-13. Review status: criteria provided, single submitter. Criteria: ICSL Variant Classification Criteria 13 December 2019. Collection method: clinical testing. Allele origin: germline.
Comment: This variant was observed in the ICSL laboratory as part of a predisposition screen in an ostensibly healthy population. It had not been previously curated by ICSL or reported in the Human Gene Mutation Database (HGMD: prior to June 1st, 2018), and was therefore a candidate for classification through an automated scoring system. Utilizing variant allele frequency, disease prevalence and penetrance estimates, and inheritance mode, an automated score was calculated to assess if this variant is too frequent to cause the disease. Based on the score and internal cut-off values, a variant classified as benign is not then subjected to further curation. The score for this variant resulted in a classification of benign for this disease.

Illumina Laboratory Services, Illumina
Classification: Benign for Amyotrophic lateral sclerosis type 8. Last evaluated: 2018-01-13. Review status: criteria provided, single submitter. Criteria: ICSL Variant Classification Criteria 13 December 2019. Collection method: clinical testing. Allele origin: germline.
Comment: the same text as in the submission from Illumina Laboratory Services, Illumina above.

NM_004738.5(VAPB):c.*2671A>G

Gene: VAPB (VAMP associated protein B and C; plus strand). Cytogenetic location: 20q13.32.
Variant type: single nucleotide variant.
Coding change: c.*2671A>G on transcript NM_004738.5 (MANE Select); 2671 bases downstream of the stop codon, A replaced by G.
Molecular consequence: 3 prime UTR variant. On other transcripts: non-coding transcript variant (1).
Genome position (GRCh38, 1-based): chr20:58,446,906, A>G. VCF-style: chr20-58446906-A-G. GRCh37 (hg19) VCF-style: chr20-57021962-A-G.
Other names: c.*2741A>G (NM_001195677.2).
Identifiers: ClinVar variation 338960 (VCV000338960.6), dbSNP rs115191022, ClinGen allele CA9924504.